The following is an entry in ClinVar:

NM_002691.4(POLD1):c.1137+1G>A

Gene: POLD1 (DNA polymerase delta 1, catalytic subunit; plus strand). Cytogenetic location: 19q13.33.
Variant type: single nucleotide variant.
Coding change: c.1137+1G>A on transcript NM_002691.4 (MANE Select); the canonical splice donor site of the intron after coding-DNA position 1137, G replaced by A.
Molecular consequence: splice donor variant.
Genome position (GRCh38, 1-based): chr19:50,403,220, G>A. VCF-style: chr19-50403220-G-A. GRCh37 (hg19) VCF-style: chr19-50906477-G-A.
Other names: c.1137+1G>A (NM_001256849.1, NM_001308632.1).
Identifiers: ClinVar variation 484399 (VCV000484399.15), dbSNP rs1555790474, ClinGen allele CA406978408.
Genomic context (GRCh38, chr19:50,403,220, plus strand): 5'-TGTGCCCCCATCCTGGGTGCCAAGGTGCAGAGCTACGAGAAGGAGGAGGACCTGCTGCAG[G>A]TAGCTCTCGCTCCACGCCCCACACCATTTCCCGGGGTCCCCGCCAGCCTCCGCGTCCTGA-3'

ClinVar aggregate classification (germline): Uncertain significance. Review status: criteria provided, multiple submitters, no conflicts (2 of 4 stars). 2 submissions from 2 submitters: Uncertain significance (2). Last evaluated 2025-06-07.

Conditions:
Hereditary cancer-predisposing syndrome. Also called: Tumor predisposition; Hereditary Cancer Syndrome; Hereditary neoplastic syndrome; Neoplastic Syndromes, Hereditary. Identifiers: Orphanet 140162, MedGen C0027672, MeSH D009386, MONDO:0015356.
POLD1-related polyposis and colorectal cancer syndrome (CRCS10). Also called: Colorectal cancer 10; COLORECTAL CANCER, SUSCEPTIBILITY TO, ON CHROMOSOME 19q; Colorectal cancer, susceptibility to, 10. Identifiers: Orphanet 220460, MedGen C2675481, MONDO:0012953, OMIM 612591.

Submissions (2):

Ambry Genetics
Classification: Uncertain significance for Hereditary cancer-predisposing syndrome. Last evaluated: 2025-06-07. Review status: criteria provided, single submitter. Criteria: Ambry Variant Classification Scheme 2023. Collection method: clinical testing. Allele origin: germline.
Comment: The c.1137+1G>A intronic variant results from a G to A substitution one nucleotide after coding exon 8 of the POLD1 gene. This nucleotide position is highly conserved in available vertebrate species. In silico splice site analysis predicts that this alteration will weaken the native splice donor site. Alterations that disrupt the canonical splice site are expected to cause aberrant splicing, resulting in an abnormal protein or a transcript that is subject to nonsense-mediated mRNA decay. However, loss of function of POLD1 has not been clearly established as a mechanism of disease. Since supporting evidence is limited at this time, the clinical significance of this alteration remains unclear.

Labcorp Genetics (formerly Invitae), Labcorp
Classification: Uncertain significance for POLD1-related polyposis and colorectal cancer syndrome. Last evaluated: 2024-10-22. Review status: criteria provided, single submitter. Criteria: Invitae Variant Classification Sherloc (09022015). Collection method: clinical testing. Allele origin: germline.
Comment: This sequence change affects a donor splice site in intron 9 of the POLD1 gene. Missense variants that disrupt the 3'-5' exonuclease (proof-reading) activity of the POLD1 protein are associated with PPAP (polymerase proofreading–associated polyposis) (PMID: 23263490, 23447401). However, loss-of-function variants that result in an absent or severely disrupted POLD1 protein, and missense variants outside the exonuclease domain, are unlikely to be associated with PPAP. This variant is not present in population databases (gnomAD no frequency). This variant has not been reported in the literature in individuals affected with POLD1-related conditions. ClinVar contains an entry for this variant (Variation ID: 484399). Algorithms developed to predict the effect of sequence changes on RNA splicing suggest that this variant may disrupt the consensus splice site. In summary, the available evidence is currently insufficient to determine the role of this variant in disease. Therefore, it has been classified as a Variant of Uncertain Significance.

Literature cited by the submitters: PubMed 23263490 (cited by Labcorp Genetics (formerly Invitae), Labcorp); PubMed 23447401 (cited by Labcorp Genetics (formerly Invitae), Labcorp).